The following is an entry in ClinVar:

ClinVar aggregate classification (germline): Uncertain significance (1 of 4 stars; one submission).

Conditions:
Birt-Hogg-Dube syndrome 1 (BHD1). Also called: FIBROFOLLICULOMAS WITH TRICHODISCOMAS AND ACROCHORDONS. Identifiers: Orphanet 122, MedGen CN375946, MONDO:0800445, OMIM 135150.
Nonpapillary renal cell carcinoma. Identifiers: Orphanet 422526, MedGen CN074294, MONDO:0007763, OMIM 144700.
Familial spontaneous pneumothorax (PSP). Identifiers: Orphanet 2903, MedGen C1868193, MONDO:0008259, OMIM 173600.
Colorectal cancer. Also called: Colorectal cancer, somatic; Malignant Colorectal Neoplasm. Identifiers: MedGen C0346629, MONDO:0005575, OMIM 114500.

Submission:

Juno Genomics, Hangzhou Juno Genomics, Inc
Classification: Uncertain significance for Birt-Hogg-Dube syndrome 1; Colorectal cancer; Familial spontaneous pneumothorax; Nonpapillary renal cell carcinoma. Review status: criteria provided, single submitter. Criteria: ACMG Guidelines, 2015. Collection method: clinical testing. Allele origin: germline.
Comment: Absent from controls (or at extremely low frequency if recessive) in Genome Aggregation Database.;Multiple lines of computational evidence support a deleterious effect on the gene or gene product.

NM_144997.7(FLCN):c.406G>T (p.Gly136Cys)

Gene: FLCN (folliculin; minus strand). Cytogenetic location: 17p11.2.
Variant type: single nucleotide variant.
Coding change: c.406G>T on transcript NM_144997.7 (MANE Select); coding-DNA position 406, G replaced by T.
Protein change: p.Gly136Cys; replaces glycine 136 with cysteine.
Molecular consequence: missense variant.
Genome position (GRCh38, 1-based): chr17:17,224,134, C>A on the plus strand (G>T on the coding strand, the complement: FLCN is on the minus strand). VCF-style: chr17-17224134-C-A. GRCh37 (hg19) VCF-style: chr17-17127448-C-A.
Other names: c.406G>T, p.Gly136Cys (NM_001353230.2, NM_001353231.2, NM_144606.7); c.460G>T, p.Gly154Cys (NM_001353229.2); short protein forms G154C, G136C.
Identifiers: ClinVar variation 5005703 (VCV005005703.2).